The following is an entry in ClinVar:

ClinVar aggregate classification (germline): Likely benign (1 of 4 stars; one submission).

Allele frequency attached by ClinVar (database versions not stated): ESP Exome Variant Server 0.00008; gnomAD exomes 0.00001; TOPMed 0.00003; ExAC 0.00002; gnomAD 0.00004.
gnomAD v4.1: 6 of 1,614,030 alleles (0.00037%); highest among the groups gnomAD compares: African/African-American, 0.008%; no homozygotes.

Submission:

GeneDx
Classification: Likely benign. Last evaluated: 2017-04-06. Review status: criteria provided, single submitter. Criteria: GeneDx Variant Classification (06012015). Collection method: clinical testing. Allele origin: germline. Affected: yes.
Comment: This variant is considered likely benign or benign based on one or more of the following criteria: it is a conservative change, it occurs at a poorly conserved position in the protein, it is predicted to be benign by multiple in silico algorithms, and/or has population frequency not consistent with disease.

NM_016492.5(RANGRF):c.528C>G (p.Thr176=)

Genes: RANGRF (RAN guanine nucleotide release factor; plus strand), SLC25A35 (solute carrier family 25 member 35; minus strand). Cytogenetic location: 17p13.1.
Variant type: single nucleotide variant.
Coding change: c.528C>G on transcript NM_016492.5 (MANE Select); coding-DNA position 528, C replaced by G.
Protein change: p.Thr176=; no amino-acid change (threonine 176 retained).
Molecular consequence: synonymous variant. On other transcripts: 3 prime UTR variant (3), missense variant (3), non-coding transcript variant (2).
Genome position (GRCh38, 1-based): chr17:8,289,903, C>G. VCF-style: chr17-8289903-C-G. GRCh37 (hg19) VCF-style: chr17-8193221-C-G.
Other names: c.*311C>G (NM_001177801.2); c.*342C>G (NM_001177802.2); c.*85C>G (NM_001330127.2); c.811G>C, p.Gly271Arg (NM_001320871.2, NM_001320872.2, NM_201520.3); short protein forms G271R.
Identifiers: ClinVar variation 508788 (VCV000508788.3), dbSNP rs371169825, ClinGen allele CA8374463.